The following is an entry in ClinVar:

ClinVar aggregate classification (germline): Benign (0 of 4 stars; one submission).

Conditions:
SLC28A1-related disorder. Also called: SLC28A1-related condition.

Allele frequency attached by ClinVar (database versions not stated): ESP Exome Variant Server 0.00638; 1000 Genomes Project 0.00679; 1000 Genomes Project 30x 0.00687.
gnomAD v4.1: 2,109 of 1,614,182 alleles (0.13%); highest among the groups gnomAD compares: African/African-American, 1.9%; 21 homozygotes.

Submission:

PreventionGenetics, part of Exact Sciences
Classification: Benign for SLC28A1-related condition. Last evaluated: 2020-02-17. Review status: no assertion criteria provided. Collection method: clinical testing. Allele origin: germline.
Comment: This variant is classified as benign based on ACMG/AMP sequence variant interpretation guidelines (Richards et al. 2015 PMID: 25741868, with internal and published modifications).

NM_004213.5(SLC28A1):c.1405C>A (p.Arg469=)

Gene: SLC28A1 (solute carrier family 28 member 1; plus strand). Cytogenetic location: 15q25.3.
Variant type: single nucleotide variant.
Coding change: c.1405C>A on transcript NM_004213.5 (MANE Select); coding-DNA position 1405, C replaced by A.
Protein change: p.Arg469=; no amino-acid change (arginine 469 retained).
Molecular consequence: synonymous variant. On other transcripts: intron variant (1).
Genome position (GRCh38, 1-based): chr15:84,935,342, C>A. VCF-style: chr15-84935342-C-A. GRCh37 (hg19) VCF-style: chr15-85478573-C-A.
Other names: c.1405C>A, p.Arg469= (NM_001287762.2, NM_001321721.2, NM_001321722.2); c.1084-8103C>A (NM_001287761.2).
Identifiers: ClinVar variation 3043583 (VCV003043583.2), dbSNP rs8187779, ClinGen allele CA7710825.